The following is an entry in ClinVar:

ClinVar aggregate classification (germline): Conflicting classifications of pathogenicity. Review status: criteria provided, conflicting classifications (1 of 4 stars). 2 submissions from 2 submitters: Uncertain significance (1); Likely benign (1). Last evaluated 2024-08-05.

Conditions:
Inborn genetic diseases. Identifiers: MedGen C0950123, MeSH D030342.

Allele frequency attached by ClinVar (database versions not stated): gnomAD 0.00002; gnomAD exomes 0.00002; TOPMed 0.00002; ExAC 0.00003.
gnomAD v4.1: 27 of 1,613,866 alleles (0.0017%); highest among the groups gnomAD compares: East Asian, 0.0067%; no homozygotes.

Submissions (2):

Labcorp Genetics (formerly Invitae), Labcorp
Classification: Uncertain significance. Last evaluated: 2024-08-05. Review status: criteria provided, single submitter. Criteria: Invitae Variant Classification Sherloc (09022015). Collection method: clinical testing. Allele origin: germline.
Comment: This sequence change replaces alanine, which is neutral and non-polar, with threonine, which is neutral and polar, at codon 821 of the AUTS2 protein (p.Ala821Thr). This variant is present in population databases (rs750630131, gnomAD 0.01%). This variant has not been reported in the literature in individuals affected with AUTS2-related conditions. ClinVar contains an entry for this variant (Variation ID: 2064380). Advanced modeling of protein sequence and biophysical properties (such as structural, functional, and spatial information, amino acid conservation, physicochemical variation, residue mobility, and thermodynamic stability) performed at Invitae indicates that this missense variant is not expected to disrupt AUTS2 protein function with a negative predictive value of 80%. In summary, the available evidence is currently insufficient to determine the role of this variant in disease. Therefore, it has been classified as a Variant of Uncertain Significance.

Ambry Genetics
Classification: Likely benign for Inborn genetic diseases. Last evaluated: 2024-03-04. Review status: criteria provided, single submitter. Criteria: Ambry Variant Classification Scheme 2023. Collection method: clinical testing. Allele origin: germline.

NM_015570.4(AUTS2):c.2461G>A (p.Ala821Thr)

Gene: AUTS2 (activator of transcription and developmental regulator AUTS2; plus strand). Cytogenetic location: 7q11.22.
Variant type: single nucleotide variant.
Coding change: c.2461G>A on transcript NM_015570.4 (MANE Select); coding-DNA position 2461, G replaced by A.
Protein change: p.Ala821Thr; replaces alanine 821 with threonine.
Molecular consequence: missense variant.
Genome position (GRCh38, 1-based): chr7:70,787,361, G>A. VCF-style: chr7-70787361-G-A. GRCh37 (hg19) VCF-style: chr7-70252347-G-A.
Other names: c.2461G>A (NM_015570.2); c.2389G>A, p.Ala797Thr (NM_001127231.3); short protein forms A821T, A797T.
Identifiers: ClinVar variation 2064380 (VCV002064380.4), dbSNP rs750630131, ClinGen allele CA4281070.
Genomic context (GRCh38, chr7:70,787,361, plus strand): 5'-CCGTCGTTCCCGACCCCTCCGCCCTGGCTGAAGCCAGGGGAGCTGGAGCGCAGCGCGTCC[G>A]CTGCAGCTCATGACAGAGATAGAGATGTAGATAAACGAGACTCATCTGTTAGTAAAGATG-3'
Protein context (NP_056385.1, residues 811-831): KPGELERSAS[Ala821Thr]AAHDRDRDVD